The following is an entry in ClinVar:

ClinVar aggregate classification (germline): Likely pathogenic (1 of 4 stars; one submission).

Conditions:
Succinate-semialdehyde dehydrogenase deficiency (SSADHD). Also called: Succinic Semialdehyde Dehydrogenase Deficiency; SSADH DEFICIENCY; 4-HYDROXYBUTYRIC ACIDURIA; GABA METABOLIC DEFECT. Identifiers: Orphanet 22, MedGen C0268631, MONDO:0010083, OMIM 271980.

Submission:

Juno Genomics, Hangzhou Juno Genomics, Inc
Classification: Likely pathogenic for Succinate-semialdehyde dehydrogenase deficiency. Review status: criteria provided, single submitter. Criteria: ACMG Guidelines, 2015. Collection method: clinical testing. Allele origin: germline.
Comment: Null variant in a gene where loss of function (LOF) is a known mechanism of disease.;Absent from controls (or at extremely low frequency if recessive) in Genome Aggregation Database.

NM_001080.3(ALDH5A1):c.1343del (p.Lys448fs)

Gene: ALDH5A1 (aldehyde dehydrogenase 5 family member A1; plus strand). Cytogenetic location: 6p22.3.
Variant type: Deletion.
Coding change: c.1343del on transcript NM_001080.3 (MANE Select); coding-DNA position 1343, one base deleted (A; older notation c.1343delA).
Protein change: p.Lys448fs; shifts the reading frame from lysine 448.
Molecular consequence: frameshift variant.
Genome position (GRCh38, 1-based): chr6:24,528,166, A deleted; the last of 2 consecutive A bases (chr6:24,528,165-24,528,166); deleting either gives the same sequence. VCF-style (leftmost placement, unchanged base first): chr6-24528164-CA-C. GRCh37 (hg19) VCF-style: chr6-24528392-CA-C.
Other names: c.1199del, p.Lys400fs (NM_001368954.1); c.1382del, p.Lys461fs (NM_170740.1); short protein forms K400fs, K448fs, K461fs.
Identifiers: ClinVar variation 5007002 (VCV005007002.2).